The following is an entry in ClinVar:

NM_001146312.3(MYOCD):c.1333G>A (p.Gly445Ser)

Gene: MYOCD (myocardin; plus strand). Cytogenetic location: 17p12.
Variant type: single nucleotide variant.
Coding change: c.1333G>A on transcript NM_001146312.3 (MANE Select); coding-DNA position 1333, G replaced by A.
Protein change: p.Gly445Ser; replaces glycine 445 with serine.
Molecular consequence: missense variant.
Genome position (GRCh38, 1-based): chr17:12,752,621, G>A. VCF-style: chr17-12752621-G-A. GRCh37 (hg19) VCF-style: chr17-12655938-G-A.
Other names: NC_000017.10:g.12655938G>A; c.1096G>A, p.Gly366Ser (NM_001378306.1); c.1333G>A, p.Gly445Ser (NM_153604.4); short protein forms G366S, G445S.
Identifiers: ClinVar variation 3388232 (VCV003388232.15).

ClinVar aggregate classification (germline): Benign (1 of 4 stars; one submission).

gnomAD v4.1: 1,358 of 1,613,970 alleles (0.084%); highest among the groups gnomAD compares: African/African-American, 0.97%; 3 homozygotes.

Submissions (2):

CeGaT Center for Human Genetics Tuebingen
Classification: Benign. Last evaluated: 2024-09-01. Review status: criteria provided, single submitter. Criteria: CeGaT Center For Human Genetics Tuebingen Variant Classification Criteria Version 2. Collection method: clinical testing. Allele origin: germline. Affected: yes. Observed: 1 variant allele.
Comment: MYOCD: BP4, BS1, BS2

Dr. Peter K. Rogan Lab, Western University
No classification provided (evidence only). Condition: Malignant tumor of esophagus. Review status: no classification provided. Collection method: in vitro. Allele origin: not applicable. Functional consequence: retained intron. Not counted in ClinVar's aggregate classification.